The following is an entry in ClinVar:

NM_000122.2(ERCC3):c.724T>C (p.Ser242Pro)

Gene: ERCC3 (ERCC excision repair 3, TFIIH core complex helicase subunit; minus strand). Cytogenetic location: 2q14.3.
Variant type: single nucleotide variant.
Coding change: c.724T>C on transcript NM_000122.2 (MANE Select); coding-DNA position 724, T replaced by C.
Protein change: p.Ser242Pro; replaces serine 242 with proline.
Molecular consequence: missense variant.
Genome position (GRCh38, 1-based): chr2:127,289,435, A>G on the plus strand (T>C on the coding strand, the complement: ERCC3 is on the minus strand). VCF-style: chr2-127289435-A-G. GRCh37 (hg19) VCF-style: chr2-128047011-A-G.
Other names: c.532T>C, p.Ser178Pro (NM_001303416.2, NM_001303418.2); short protein forms S178P, S242P.
Identifiers: ClinVar variation 4746428 (VCV004746428.1).
Genomic context (GRCh38, chr2:127,289,435, plus strand): 5'-CTTCTTCTTCATCCTTGTCCATTTGCTCATAGAAGTCAAACAGGTCCATGGGGATGTCAG[A>G]TTTACCCTGTGGATCTGTCACTCGGGAAGTGGAGGGCCCACCACTGCTTTCAGCAGTCTT-3'
Protein context (NP_000113.1, residues 232-252): TSRVTDPQGK[Ser242Pro]DIPMDLFDFY

ClinVar aggregate classification (germline): Uncertain significance (1 of 4 stars; one submission).

gnomAD v4.1: 2 of 1,613,012 alleles (0.00012%); highest among the groups gnomAD compares: Non-Finnish European, 0.00017%; no homozygotes.

Submission:

Labcorp Genetics (formerly Invitae), Labcorp
Classification: Uncertain significance. Last evaluated: 2026-01-17. Review status: criteria provided, single submitter. Criteria: Invitae Variant Classification Sherloc (09022015). Collection method: clinical testing. Allele origin: germline.
Comment: This sequence change replaces serine, which is neutral and polar, with proline, which is neutral and non-polar, at codon 242 of the ERCC3 protein (p.Ser242Pro). This variant is present in population databases (no rsID available, gnomAD 0.007%). This variant has not been reported in the literature in individuals affected with ERCC3-related conditions. Invitae Evidence Modeling of protein sequence and biophysical properties (such as structural, functional, and spatial information, amino acid conservation, physicochemical variation, residue mobility, and thermodynamic stability) indicates that this missense variant is not expected to disrupt ERCC3 protein function with a negative predictive value of 80%. In summary, the available evidence is currently insufficient to determine the role of this variant in disease. Therefore, it has been classified as a Variant of Uncertain Significance.